The following is an entry in ClinVar:

ClinVar aggregate classification (germline): Likely benign (0 of 4 stars; one submission).

Conditions:
EPPK1-related disorder. Also called: EPPK1-related condition.

Allele frequency attached by ClinVar (database versions not stated): gnomAD 0.00001; gnomAD exomes 0.00004; TOPMed 0.00005; ExAC 0.00010.
gnomAD v4.1: 66 of 1,607,826 alleles (0.0041%); highest among the groups gnomAD compares: Admixed American, 0.03%; no homozygotes.

Submission:

PreventionGenetics, part of Exact Sciences
Classification: Likely benign for EPPK1-related condition. Last evaluated: 2022-01-13. Review status: no assertion criteria provided. Collection method: clinical testing. Allele origin: germline.
Comment: This variant is classified as likely benign based on ACMG/AMP sequence variant interpretation guidelines (Richards et al. 2015 PMID: 25741868, with internal and published modifications).

NM_031308.4(EPPK1):c.3264C>T (p.Asp1088=)

Gene: EPPK1 (epiplakin 1; minus strand). Cytogenetic location: 8q24.3.
Variant type: single nucleotide variant.
Coding change: c.3264C>T on transcript NM_031308.4 (MANE Select); coding-DNA position 3264, C replaced by T.
Protein change: p.Asp1088=; no amino-acid change (aspartic acid 1088 retained).
Molecular consequence: synonymous variant.
Genome position (GRCh38, 1-based): chr8:143,869,990, G>A on the plus strand (C>T on the coding strand, the complement: EPPK1 is on the minus strand). VCF-style: chr8-143869990-G-A. GRCh37 (hg19) VCF-style: chr8-144944158-G-A.
Identifiers: ClinVar variation 3054482 (VCV003054482.2), dbSNP rs782326896, ClinGen allele CA4922822.